The following is an entry in ClinVar:

NM_002516.4(NOVA2):c.92G>C (p.Gly31Ala)

Gene: NOVA2 (NOVA alternative splicing regulator 2; minus strand). Cytogenetic location: 19q13.32.
Variant type: single nucleotide variant.
Coding change: c.92G>C on transcript NM_002516.4 (MANE Select); coding-DNA position 92, G replaced by C.
Protein change: p.Gly31Ala; replaces glycine 31 with alanine.
Molecular consequence: missense variant.
Genome position (GRCh38, 1-based): chr19:45,961,147, C>G on the plus strand (G>C on the coding strand, the complement: NOVA2 is on the minus strand). VCF-style: chr19-45961147-C-G. GRCh37 (hg19) VCF-style: chr19-46464405-C-G.
Other names: short protein forms G31A.
Identifiers: ClinVar variation 4056674 (VCV004056674.1).

ClinVar aggregate classification (germline): Uncertain significance (1 of 4 stars; one submission).

Conditions:
Neurodevelopmental disorder with or without autistic features and/or structural brain abnormalities. Identifiers: MedGen C5394311, MONDO:0030024, OMIM 618859.

Submission:

Laboratorio de Genetica e Diagnostico Molecular, Hospital Israelita Albert Einstein
Classification: Uncertain significance for Neurodevelopmental disorder with or without autistic features and/or structural brain abnormalities. Last evaluated: 2023-12-07. Review status: criteria provided, single submitter. Criteria: ACMG Guidelines, 2015. Collection method: clinical testing. Allele origin: germline. Affected: yes.
Comment: ACMG classification criteria: PM2 moderate, BP4 supporting